The following is an entry in ClinVar:

NM_178335.3(CCDC50):c.419A>T (p.Tyr140Phe)

Gene: CCDC50 (coiled-coil domain containing 50; plus strand). Cytogenetic location: 3q28.
Variant type: single nucleotide variant.
Coding change: c.419A>T on transcript NM_178335.3 (MANE Select); coding-DNA position 419, A replaced by T.
Protein change: p.Tyr140Phe; replaces tyrosine 140 with phenylalanine.
Molecular consequence: missense variant.
Genome position (GRCh38, 1-based): chr3:191,370,007, A>T. VCF-style: chr3-191370007-A-T. GRCh37 (hg19) VCF-style: chr3-191087796-A-T.
Other names: c.419A>T, p.Tyr140Phe (NM_174908.4); short protein forms Y140F.
Identifiers: ClinVar variation 2031280 (VCV002031280.4), dbSNP rs2474045993, ClinGen allele CA355763000.

ClinVar aggregate classification (germline): Uncertain significance (1 of 4 stars; one submission).

Submission:

Labcorp Genetics (formerly Invitae), Labcorp
Classification: Uncertain significance. Last evaluated: 2022-09-19. Review status: criteria provided, single submitter. Criteria: Invitae Variant Classification Sherloc (09022015). Collection method: clinical testing. Allele origin: germline.
Comment: This sequence change replaces tyrosine, which is neutral and polar, with phenylalanine, which is neutral and non-polar, at codon 140 of the CCDC50 protein (p.Tyr140Phe). This variant is not present in population databases (gnomAD no frequency). This variant has not been reported in the literature in individuals affected with CCDC50-related conditions. Algorithms developed to predict the effect of missense changes on protein structure and function output the following: SIFT: "Tolerated"; PolyPhen-2: "Benign"; Align-GVGD: "Class C0". The phenylalanine amino acid residue is found in multiple mammalian species, which suggests that this missense change does not adversely affect protein function. In summary, the available evidence is currently insufficient to determine the role of this variant in disease. Therefore, it has been classified as a Variant of Uncertain Significance.